The following is an entry in ClinVar:

NM_001283009.2(RTEL1):c.2971C>T (p.Gln991Ter)

Genes: RTEL1 (regulator of telomere elongation helicase 1; plus strand), RTEL1-TNFRSF6B (RTEL1-TNFRSF6B readthrough (NMD candidate); plus strand). Cytogenetic location: 20q13.33.
Variant type: single nucleotide variant.
Coding change: c.2971C>T on transcript NM_001283009.2 (MANE Select); coding-DNA position 2971, C replaced by T.
Protein change: p.Gln991Ter; replaces glutamine 991 with a stop codon.
Molecular consequence: nonsense. On other transcripts: non-coding transcript variant (1).
Genome position (GRCh38, 1-based): chr20:63,693,262, C>T. VCF-style: chr20-63693262-C-T. GRCh37 (hg19) VCF-style: chr20-62324615-C-T.
Other names: c.2302C>T, p.Gln768Ter (NM_001283010.1); c.2971C>T, p.Gln991Ter (NM_016434.4); c.3043C>T, p.Gln1015Ter (NM_032957.5); short protein forms Q768*, Q991*, Q1015*.
Identifiers: ClinVar variation 4788131 (VCV004788131.1).

ClinVar aggregate classification (germline): Pathogenic (1 of 4 stars; one submission).

Conditions:
Pulmonary fibrosis and/or bone marrow failure, Telomere-related, 3. Also called: PULMONARY FIBROSIS AND/OR BONE MARROW FAILURE SYNDROME, TELOMERE-RELATED, 3. Identifiers: Orphanet 2032, MedGen C4225346, MONDO:0014613, OMIM 616373.
Dyskeratosis congenita, autosomal recessive 5 (DKCB5). Identifiers: MedGen C3554656, MONDO:0014076, OMIM 615190.

gnomAD v4.1: 2 of 1,611,890 alleles (0.00012%); highest among the groups gnomAD compares: Non-Finnish European, 0.00017%; no homozygotes.

Submission:

Labcorp Genetics (formerly Invitae), Labcorp
Classification: Pathogenic for Dyskeratosis congenita, autosomal recessive 5; Pulmonary fibrosis and/or bone marrow failure, Telomere-related, 3. Last evaluated: 2025-10-05. Review status: criteria provided, single submitter. Criteria: Invitae Variant Classification Sherloc (09022015). Collection method: clinical testing. Allele origin: germline.
Comment: This sequence change creates a premature translational stop signal (p.Gln991*) in the RTEL1 gene. It is expected to result in an absent or disrupted protein product. Loss-of-function variants in RTEL1 are known to be pathogenic (PMID: 23453664, 23959892, 25607374). This variant is present in population databases (no rsID available, gnomAD 0.0009%). This variant has not been reported in the literature in individuals affected with RTEL1-related conditions. Algorithms developed to predict the effect of sequence changes on RNA splicing suggest that this variant may disrupt the consensus splice site. For these reasons, this variant has been classified as Pathogenic.

Literature cited by the submitters: PubMed 23453664; PubMed 23959892; PubMed 25607374.